The following is an entry in ClinVar:

ClinVar aggregate classification (germline): Uncertain significance (1 of 4 stars; one submission).

gnomAD v4.1: 2 of 1,613,976 alleles (0.00012%); highest among the groups gnomAD compares: African/African-American, 0.0027%; no homozygotes.

Submission:

Labcorp Genetics (formerly Invitae), Labcorp
Classification: Uncertain significance. Last evaluated: 2022-06-09. Review status: criteria provided, single submitter. Criteria: Invitae Variant Classification Sherloc (09022015). Collection method: clinical testing. Allele origin: germline.
Comment: In summary, the available evidence is currently insufficient to determine the role of this variant in disease. Therefore, it has been classified as a Variant of Uncertain Significance. Algorithms developed to predict the effect of sequence changes on RNA splicing suggest that this variant may create or strengthen a splice site. This variant has not been reported in the literature in individuals affected with NCSTN-related conditions. This variant is present in population databases (rs151131279, gnomAD 0.007%). This sequence change affects codon 391 of the NCSTN mRNA. It is a 'silent' change, meaning that it does not change the encoded amino acid sequence of the NCSTN protein.

NM_015331.3(NCSTN):c.1171C>A (p.Arg391=)

Gene: NCSTN (nicastrin; plus strand). Cytogenetic location: 1q23.2.
Variant type: single nucleotide variant.
Coding change: c.1171C>A on transcript NM_015331.3 (MANE Select); coding-DNA position 1171, C replaced by A.
Protein change: p.Arg391=; no amino-acid change (arginine 391 retained).
Molecular consequence: synonymous variant.
Genome position (GRCh38, 1-based): chr1:160,353,229, C>A. VCF-style: chr1-160353229-C-A. GRCh37 (hg19) VCF-style: chr1-160323019-C-A.
Other names: c.1111C>A, p.Arg371= (NM_001290184.2); c.757C>A, p.Arg253= (NM_001290186.2); c.1171C>A, p.Arg391= (NM_001349729.2).
Identifiers: ClinVar variation 1986609 (VCV001986609.4), dbSNP rs151131279, ClinGen allele CA1198913.
Genomic context (GRCh38, chr1:160,353,229, plus strand): 5'-AGAACTTCATTAGAGCTTTGGATGCACACAGATCCTGTTTCTCAGAAAAATGAGTCTGTA[C>A]GGAACCAGGTAACCTGAGCATCTCCCCTCATTTCCTATTCCTACAGCTCAGAATCCAGAC-3'
Protein context (NP_056146.1, residues 381-401): DPVSQKNESV[Arg391=]NQVEDLLATL